The following is an entry in ClinVar:

ClinVar aggregate classification (germline): Likely benign (1 of 4 stars; one submission).

Allele frequency attached by ClinVar (database versions not stated): gnomAD 0.00057; 1000 Genomes Project 30x 0.00125; 1000 Genomes Project 0.00220.

Submission:

CeGaT Center for Human Genetics Tuebingen
Classification: Likely benign. Last evaluated: 2022-08-01. Review status: criteria provided, single submitter. Criteria: CeGaT Center For Human Genetics Tuebingen Variant Classification Criteria Version 2. Collection method: clinical testing. Allele origin: germline. Affected: yes. Observed: 1 variant allele.
Comment: SBSN: BP4, BP7

NM_001166034.2(SBSN):c.858T>C (p.Ala286=)

Gene: SBSN (suprabasin; minus strand). Cytogenetic location: 19q13.12.
Variant type: single nucleotide variant.
Coding change: c.858T>C on transcript NM_001166034.2 (MANE Select); coding-DNA position 858, T replaced by C.
Protein change: p.Ala286=; no amino-acid change (alanine 286 retained).
Molecular consequence: synonymous variant. On other transcripts: intron variant (2).
Genome position (GRCh38, 1-based): chr19:35,527,424, A>G on the plus strand (T>C on the coding strand, the complement: SBSN is on the minus strand). VCF-style: chr19-35527424-A-G. GRCh37 (hg19) VCF-style: chr19-36018326-A-G.
Other names: c.375+483T>C (NM_001166035.2, NM_198538.4).
Identifiers: ClinVar variation 2649720 (VCV002649720.24), dbSNP rs77512068, ClinGen allele CA9379635.